The following is an entry in ClinVar:

NM_003073.5(SMARCB1):c.722T>G (p.Ile241Ser)

Gene: SMARCB1 (SWI/SNF related BAF chromatin remodeling complex subunit B1; plus strand). Cytogenetic location: 22q11.23.
Variant type: single nucleotide variant.
Coding change: c.722T>G on transcript NM_003073.5 (MANE Select); coding-DNA position 722, T replaced by G.
Protein change: p.Ile241Ser; replaces isoleucine 241 with serine.
Molecular consequence: missense variant.
Genome position (GRCh38, 1-based): chr22:23,816,863, T>G. VCF-style: chr22-23816863-T-G. GRCh37 (hg19) VCF-style: chr22-24159050-T-G.
Other names: c.695T>G, p.Ile232Ser (NM_001007468.3); c.749T>G, p.Ile250Ser (NM_001317946.2); c.776T>G, p.Ile259Ser (NM_001362877.2); short protein forms I232S, I241S, I250S, I259S.
Identifiers: ClinVar variation 5029913 (VCV005029913.1).

ClinVar aggregate classification (germline): Uncertain significance (1 of 4 stars; one submission).

Conditions:
Hereditary cancer-predisposing syndrome. Also called: Neoplastic Syndromes, Hereditary; Tumor predisposition; Hereditary neoplastic syndrome; Hereditary Cancer Syndrome. Identifiers: Orphanet 140162, MedGen C0027672, MeSH D009386, MONDO:0015356.

Submission:

Ambry Genetics
Classification: Uncertain significance for Hereditary cancer-predisposing syndrome. Last evaluated: 2026-07-07. Review status: criteria provided, single submitter. Criteria: Ambry Variant Classification Scheme 2023. Collection method: clinical testing. Allele origin: germline.
Comment: The p.I241S variant (also known as c.722T>G), located in coding exon 6 of the SMARCB1 gene, results from a T to G substitution at nucleotide position 722. The isoleucine at codon 241 is replaced by serine, an amino acid with dissimilar properties. This amino acid position is conserved. In addition, this alteration is predicted to be deleterious by in silico analysis. Based on the available evidence, the clinical significance of this variant remains unclear.